The following is an entry in ClinVar:

ClinVar aggregate classification (germline): Uncertain significance. Review status: criteria provided, multiple submitters, no conflicts (2 of 4 stars). 3 submissions from 3 submitters: Uncertain significance (3). Last evaluated 2024-12-08.

Conditions:
Pulmonary fibrosis and/or bone marrow failure, Telomere-related, 3. Also called: PULMONARY FIBROSIS AND/OR BONE MARROW FAILURE SYNDROME, TELOMERE-RELATED, 3. Identifiers: Orphanet 2032, MedGen C4225346, MONDO:0014613, OMIM 616373.
Dyskeratosis congenita, autosomal recessive 5 (DKCB5). Identifiers: MedGen C3554656, MONDO:0014076, OMIM 615190.
Inborn genetic diseases. Identifiers: MedGen C0950123, MeSH D030342.

Allele frequency attached by ClinVar (database versions not stated): gnomAD 0.00001; gnomAD exomes 0.00002; TOPMed 0.00002.
gnomAD v4.1: 35 of 1,611,734 alleles (0.0022%); highest among the groups gnomAD compares: Non-Finnish European, 0.003%; no homozygotes.

Submissions (3):

Ambry Genetics
Classification: Uncertain significance for Inborn genetic diseases. Last evaluated: 2024-12-08. Review status: criteria provided, single submitter. Criteria: Ambry Variant Classification Scheme 2023. Collection method: clinical testing. Allele origin: germline.
Comment: The p.R999G variant (also known as c.2995A>G), located in coding exon 30 of the RTEL1 gene, results from an A to G substitution at nucleotide position 2995. The arginine at codon 999 is replaced by glycine, an amino acid with dissimilar properties. This amino acid position is conserved. In addition, this alteration is predicted to be tolerated by in silico analysis. Based on the available evidence, the clinical significance of this variant remains unclear.

Fulgent Genetics
Classification: Uncertain significance for Dyskeratosis congenita, autosomal recessive 5; Pulmonary fibrosis and/or bone marrow failure, Telomere-related, 3. Last evaluated: 2024-02-18. Review status: criteria provided, single submitter. Criteria: ACMG Guidelines, 2015. Collection method: clinical testing. Allele origin: germline.

Labcorp Genetics (formerly Invitae), Labcorp
Classification: Uncertain significance for Dyskeratosis congenita, autosomal recessive 5; Pulmonary fibrosis and/or bone marrow failure, Telomere-related, 3. Last evaluated: 2021-09-17. Review status: criteria provided, single submitter. Criteria: Invitae Variant Classification Sherloc (09022015). Collection method: clinical testing. Allele origin: germline.
Comment: This sequence change replaces arginine with glycine at codon 999 of the RTEL1 protein (p.Arg999Gly). The arginine residue is weakly conserved and there is a moderate physicochemical difference between arginine and glycine. This variant is not present in population databases (ExAC no frequency). This variant has not been reported in the literature in individuals with RTEL1-related disease. Algorithms developed to predict the effect of missense changes on protein structure and function output the following: SIFT: "Tolerated"; PolyPhen-2: "Benign"; Align-GVGD: "Class C0". The glycine amino acid residue is found in multiple mammalian species, suggesting that this missense change does not adversely affect protein function. These predictions have not been confirmed by published functional studies and their clinical significance is uncertain. In summary, the available evidence is currently insufficient to determine the role of this variant in disease. Therefore, it has been classified as a Variant of Uncertain Significance.

NM_001283009.2(RTEL1):c.2995A>G (p.Arg999Gly)

Genes: RTEL1 (regulator of telomere elongation helicase 1; plus strand), RTEL1-TNFRSF6B (RTEL1-TNFRSF6B readthrough (NMD candidate); plus strand). Cytogenetic location: 20q13.33.
Variant type: single nucleotide variant.
Coding change: c.2995A>G on transcript NM_001283009.2 (MANE Select); coding-DNA position 2995, A replaced by G.
Protein change: p.Arg999Gly; replaces arginine 999 with glycine.
Molecular consequence: missense variant. On other transcripts: non-coding transcript variant (1).
Genome position (GRCh38, 1-based): chr20:63,694,374, A>G. VCF-style: chr20-63694374-A-G. GRCh37 (hg19) VCF-style: chr20-62325727-A-G.
Other names: c.2326A>G, p.Arg776Gly (NM_001283010.1); c.2995A>G, p.Arg999Gly (NM_016434.4); c.3067A>G, p.Arg1023Gly (NM_032957.5); short protein forms R999G, R1023G, R776G.
Identifiers: ClinVar variation 2146019 (VCV002146019.3), dbSNP rs893004301, ClinGen allele CA317526950.